The following is an entry in ClinVar:

NM_016628.5(WAC):c.1632A>C (p.Pro544=)

Gene: WAC (WW domain containing adaptor with coiled-coil; plus strand). Cytogenetic location: 10p12.1.
Variant type: single nucleotide variant.
Coding change: c.1632A>C on transcript NM_016628.5 (MANE Select); coding-DNA position 1632, A replaced by C.
Protein change: p.Pro544=; no amino-acid change (proline 544 retained).
Molecular consequence: synonymous variant.
Genome position (GRCh38, 1-based): chr10:28,616,248, A>C. VCF-style: chr10-28616248-A-C. GRCh37 (hg19) VCF-style: chr10-28905177-A-C.
Other names: c.1497A>C, p.Pro499= (NM_100264.3); c.1323A>C, p.Pro441= (NM_100486.4).
Identifiers: ClinVar variation 3235776 (VCV003235776.1), dbSNP rs1589249135, ClinGen allele CA468761881.

ClinVar aggregate classification (germline): Uncertain significance (1 of 4 stars; one submission).

Submission:

Greenwood Genetic Center Diagnostic Laboratories, Greenwood Genetic Center
Classification: Uncertain significance. Last evaluated: 2024-03-04. Review status: criteria provided, single submitter. Criteria: ACMG Guidelines, 2015. Collection method: clinical testing. Allele origin: germline. Affected: yes.
Comment: PM2